The following is an entry in ClinVar:

NM_014762.4(DHCR24):c.1433G>A (p.Arg478Gln)

Gene: DHCR24 (24-dehydrocholesterol reductase; minus strand). Cytogenetic location: 1p32.3.
Variant type: single nucleotide variant.
Coding change: c.1433G>A on transcript NM_014762.4 (MANE Select); coding-DNA position 1433, G replaced by A.
Protein change: p.Arg478Gln; replaces arginine 478 with glutamine.
Molecular consequence: missense variant.
Genome position (GRCh38, 1-based): chr1:54,852,351, C>T on the plus strand (G>A on the coding strand, the complement: DHCR24 is on the minus strand). VCF-style: chr1-54852351-C-T. GRCh37 (hg19) VCF-style: chr1-55318024-C-T.
Other names: short protein forms R478Q.
Identifiers: ClinVar variation 2080113 (VCV002080113.4), dbSNP rs763368230, ClinGen allele CA870541.

ClinVar aggregate classification (germline): Uncertain significance (1 of 4 stars; one submission).

Allele frequency attached by ClinVar (database versions not stated): gnomAD exomes 0.00001; TOPMed 0.00001; ExAC 0.00004; gnomAD 0.00002.
gnomAD v4.1: 24 of 1,614,020 alleles (0.0015%); highest among the groups gnomAD compares: East Asian, 0.011%; no homozygotes.

Submission:

Labcorp Genetics (formerly Invitae), Labcorp
Classification: Uncertain significance. Last evaluated: 2022-08-08. Review status: criteria provided, single submitter. Criteria: Invitae Variant Classification Sherloc (09022015). Collection method: clinical testing. Allele origin: germline.
Comment: In summary, the available evidence is currently insufficient to determine the role of this variant in disease. Therefore, it has been classified as a Variant of Uncertain Significance. Algorithms developed to predict the effect of missense changes on protein structure and function (SIFT, PolyPhen-2, Align-GVGD) all suggest that this variant is likely to be disruptive. This variant has not been reported in the literature in individuals affected with DHCR24-related conditions. This variant is present in population databases (rs763368230, gnomAD 0.05%). This sequence change replaces arginine, which is basic and polar, with glutamine, which is neutral and polar, at codon 478 of the DHCR24 protein (p.Arg478Gln).